The following is an entry in ClinVar:

ClinVar aggregate classification (germline): Uncertain significance (1 of 4 stars; one submission).

Conditions:
Epilepsy, idiopathic generalized, susceptibility to, 10. Identifiers: MedGen C2751603, MONDO:0013103, OMIM 613060.

Submission:

Center for Genomics, Ann and Robert H. Lurie Children's Hospital of Chicago
Classification: Uncertain significance for Epilepsy, idiopathic generalized, susceptibility to, 10. Review status: criteria provided, single submitter. Criteria: ACMG Guidelines, 2015. Collection method: clinical testing. Allele origin: germline.
Comment: This variant has not been reported in the literature and is not present in large control databases. Evolutionary conservation and computational predictive tools for this variant are unclear. This variant is an intronic variant with no predicted change in the amino acid sequence but may have an unknown effect on splicing. Splice prediction tools suggest that this variant may affect splicing. Further studies are needed to understand its impact. In summary, data on this variant is insufficient for disease classification. Therefore, the clinical significance of this variant is uncertain.

NM_000815.5(GABRD):c.691+8_691+9del

Gene: GABRD (gamma-aminobutyric acid type A receptor subunit delta; plus strand). Cytogenetic location: 1p36.33.
Variant type: Microsatellite.
Coding change: c.691+8_691+9del on transcript NM_000815.5 (MANE Select); bases 8 to 9 of the intron after coding-DNA position 691, 2 bases deleted (AT; older notation c.691+8_691+9delAT).
Molecular consequence: intron variant.
Genome position (GRCh38, 1-based): chr1:2,028,300-2,028,301, AT deleted; deleting any 2 consecutive bases within chr1:2,028,298-2,028,301 gives the same sequence; the c. name uses the placement nearest the transcript's 3' end. VCF-style (leftmost placement, unchanged base first): chr1-2028297-CAT-C. GRCh37 (hg19) VCF-style: chr1-1959736-CAT-C.
Identifiers: ClinVar variation 2501749 (VCV002501749.2), dbSNP rs1292543496, ClinGen allele CA730161896.